The following is an entry in ClinVar:

ClinVar aggregate classification (germline): Uncertain significance (1 of 4 stars; one submission).

Conditions:
Combined oxidative phosphorylation deficiency. Identifiers: MedGen C4540031, MONDO:0000732.
Charcot-Marie-Tooth Neuropathy X. Identifiers: MedGen CN118851.

Submission:

Labcorp Genetics (formerly Invitae), Labcorp
Classification: Uncertain significance for Charcot-Marie-Tooth Neuropathy X; Combined oxidative phosphorylation deficiency. Last evaluated: 2023-10-06. Review status: criteria provided, single submitter. Criteria: Invitae Variant Classification Sherloc (09022015). Collection method: clinical testing. Allele origin: germline.
Comment: This sequence change affects codon 241 of the AIFM1 mRNA. It is a 'silent' change, meaning that it does not change the encoded amino acid sequence of the AIFM1 protein. This variant is not present in population databases (gnomAD no frequency). This variant has not been reported in the literature in individuals affected with AIFM1-related conditions. Algorithms developed to predict the effect of sequence changes on RNA splicing suggest that this variant may disrupt the consensus splice site. In summary, the available evidence is currently insufficient to determine the role of this variant in disease. Therefore, it has been classified as a Variant of Uncertain Significance.

NM_004208.4(AIFM1):c.723C>T (p.Asn241=)

Genes: AIFM1 (apoptosis inducing factor mitochondria associated 1; minus strand), RAB33A (RAB33A, member RAS oncogene family; plus strand). Cytogenetic location: Xq26.1.
Variant type: single nucleotide variant.
Coding change: c.723C>T on transcript NM_004208.4 (MANE Select); coding-DNA position 723, C replaced by T.
Protein change: p.Asn241=; no amino-acid change (asparagine 241 retained).
Molecular consequence: synonymous variant. On other transcripts: non-coding transcript variant (1).
Genome position (GRCh38, 1-based): chrX:130,140,591, G>A on the plus strand (C>T on the coding strand, the complement: AIFM1 is on the minus strand). VCF-style: chrX-130140591-G-A. GRCh37 (hg19) VCF-style: chrX-129274566-G-A.
Other names: c.723C>T, p.Asn241= (NM_001130847.4); c.711C>T, p.Asn237= (NM_145812.3).
Identifiers: ClinVar variation 2947002 (VCV002947002.3), dbSNP rs2523131343, ClinGen allele CA518469990.
Genomic context (GRCh38, chrX:130,140,591, plus strand): 5'-ACCTGTTGCAATCAAGCACTTTTCATAGGTTATTTGAGAGCCATCATTAAGTTTCACCAT[G>A]TTGTCTCTCACATCCAGCTGTACTACCTGGTACAGTCACACACATACACAAAAGAGGTAG-3'
Protein context (NP_004199.1, residues 231-251): KKVVQLDVRD[Asn241=]MVKLNDGSQI